The following is an entry in ClinVar:

ClinVar aggregate classification (germline): Likely pathogenic (1 of 4 stars; one submission).

Submission:

GeneDx
Classification: Likely pathogenic. Last evaluated: 2026-03-13. Review status: criteria provided, single submitter. Criteria: GeneDx Variant Classification Process June 2021. Collection method: clinical testing. Allele origin: germline.
Comment: Nonsense variant predicted to result in protein truncation or nonsense mediated decay in a gene for which loss of function is a known mechanism of disease; Not observed at significant frequency in large population cohorts (gnomAD); Has not been previously published as pathogenic or benign to our knowledge

NM_017649.5(CNNM2):c.2290C>T (p.Arg764Ter)

Gene: CNNM2 (cyclin and CBS domain divalent metal cation transport mediator 2; plus strand). Cytogenetic location: 10q24.32.
Variant type: single nucleotide variant.
Coding change: c.2290C>T on transcript NM_017649.5 (MANE Select); coding-DNA position 2290, C replaced by T.
Protein change: p.Arg764Ter; replaces arginine 764 with a stop codon.
Molecular consequence: nonsense.
Genome position (GRCh38, 1-based): chr10:103,076,142, C>T. VCF-style: chr10-103076142-C-T. GRCh37 (hg19) VCF-style: chr10-104835899-C-T.
Other names: c.2224C>T, p.Arg742Ter (NM_199076.3); short protein forms R742*, R764*.
Identifiers: ClinVar variation 4891438 (VCV004891438.1).